The following is an entry in ClinVar:

NM_033087.4(ALG2):c.97G>A (p.Val33Met)

Gene: ALG2 (ALG2 alpha-1,3/1,6-mannosyltransferase; minus strand). Cytogenetic location: 9q22.33.
Variant type: single nucleotide variant.
Coding change: c.97G>A on transcript NM_033087.4 (MANE Select); coding-DNA position 97, G replaced by A.
Protein change: p.Val33Met; replaces valine 33 with methionine.
Molecular consequence: missense variant. On other transcripts: non-coding transcript variant (1).
Genome position (GRCh38, 1-based): chr9:99,221,798, C>T on the plus strand (G>A on the coding strand, the complement: ALG2 is on the minus strand). VCF-style: chr9-99221798-C-T. GRCh37 (hg19) VCF-style: chr9-101984080-C-T.
Other names: short protein forms V33M.
Identifiers: ClinVar variation 663688 (VCV000663688.9), dbSNP rs774607653, ClinGen allele CA5156488.

ClinVar aggregate classification (germline): Uncertain significance. Review status: criteria provided, multiple submitters, no conflicts (2 of 4 stars). 2 submissions from 2 submitters: Uncertain significance (2). Last evaluated 2024-10-28.

Conditions:
Congenital disorder of glycosylation, type Ii. Also called: CDG Ii; ALG2-congenital disorder of glycosylation; ALG2-CDG. Identifiers: Orphanet 79326, MedGen C1842836, MONDO:0011933, OMIM 607906.
Congenital myasthenic syndrome 14. Also called: Myasthenic syndrome, congenital, 14, with tubular aggregates. Identifiers: Orphanet 353327, Orphanet 590, MedGen C4015597, MONDO:0014543, OMIM 616228.
Inborn genetic diseases. Identifiers: MedGen C0950123, MeSH D030342.

Allele frequency attached by ClinVar (database versions not stated): TOPMed 0.00006.

Submissions (2):

Labcorp Genetics (formerly Invitae), Labcorp
Classification: Uncertain significance for Congenital disorder of glycosylation, type Ii; Congenital myasthenic syndrome 14. Last evaluated: 2024-10-28. Review status: criteria provided, single submitter. Criteria: Invitae Variant Classification Sherloc (09022015). Collection method: clinical testing. Allele origin: germline.
Comment: This sequence change replaces valine, which is neutral and non-polar, with methionine, which is neutral and non-polar, at codon 33 of the ALG2 protein (p.Val33Met). This variant is present in population databases (rs774607653, gnomAD 0.008%). This variant has not been reported in the literature in individuals affected with ALG2-related conditions. ClinVar contains an entry for this variant (Variation ID: 663688). An algorithm developed to predict the effect of missense changes on protein structure and function (PolyPhen-2) suggests that this variant is likely to be disruptive. In summary, the available evidence is currently insufficient to determine the role of this variant in disease. Therefore, it has been classified as a Variant of Uncertain Significance.

Ambry Genetics
Classification: Uncertain significance for Inborn genetic diseases. Last evaluated: 2024-10-16. Review status: criteria provided, single submitter. Criteria: Ambry Variant Classification Scheme 2023. Collection method: clinical testing. Allele origin: germline.